The following is an entry in ClinVar:

ClinVar aggregate classification (germline): Uncertain significance (1 of 4 stars; one submission).

Submission:

Women's Health and Genetics/Laboratory Corporation of America, LabCorp
Classification: Uncertain significance. Last evaluated: 2024-08-28. Review status: criteria provided, single submitter. Criteria: LabCorp Variant Classification Summary - May 2015. Collection method: clinical testing. Allele origin: germline.
Comment: Variant summary: MUSK c.2324T>C (p.Phe775Ser) results in a non-conservative amino acid change located in the Protein kinase domain (IPR000719) of the encoded protein sequence. Five of five in-silico tools predict a damaging effect of the variant on protein function. The variant was absent in 249076 control chromosomes. The available data on variant occurrences in the general population are insufficient to allow any conclusion about variant significance. c.2324T>C has been reported in the literature in at least one compound heterozygous individual affected with MUSK-Related Disorders (Shen_2020). These data do not allow any conclusion about variant significance. To our knowledge, no experimental evidence demonstrating an impact on protein function has been reported. The following publication has been ascertained in the context of this evaluation (PMID: 32373561). No submitters have cited clinical-significance assessments for this variant to ClinVar. Based on the evidence outlined above, the variant was classified as uncertain significance.

Literature cited by the submitters: PubMed 32373561.

NM_005592.4(MUSK):c.2324T>C (p.Phe775Ser)

Gene: MUSK (muscle associated receptor tyrosine kinase; plus strand). Cytogenetic location: 9q31.3.
Variant type: single nucleotide variant.
Coding change: c.2324T>C on transcript NM_005592.4 (MANE Select); coding-DNA position 2324, T replaced by C.
Protein change: p.Phe775Ser; replaces phenylalanine 775 with serine.
Molecular consequence: missense variant.
Genome position (GRCh38, 1-based): chr9:110,800,702, T>C. VCF-style: chr9-110800702-T-C. GRCh37 (hg19) VCF-style: chr9-113562982-T-C.
Other names: c.2066T>C, p.Phe689Ser (NM_001166280.2); c.2036T>C, p.Phe679Ser (NM_001166281.2); c.1064T>C, p.Phe355Ser (NM_001369398.1); short protein forms F355S, F679S, F689S, F775S.
Identifiers: ClinVar variation 3366460 (VCV003366460.1).